The following is an entry in ClinVar:

ClinVar aggregate classification (germline): Uncertain significance. Review status: criteria provided, multiple submitters, no conflicts (2 of 4 stars). 2 submissions from 2 submitters: Uncertain significance (2). Last evaluated 2025-09-04.

Conditions:
Inborn genetic diseases. Identifiers: MedGen C0950123, MeSH D030342.
COG1 congenital disorder of glycosylation (CDG2G). Also called: CONGENITAL DISORDER OF GLYCOSYLATION, TYPE IIg; CDG IIg; CDGII/COG1 CEREBROCOSTOMANDIBULAR-LIKE SYNDROME. Identifiers: Orphanet 263508, MedGen C2931011, MONDO:0012637, OMIM 611209.

Allele frequency attached by ClinVar (database versions not stated): gnomAD exomes below 0.00001 and 0.00001; ExAC 0.00001.
gnomAD v4.1: 18 of 1,614,178 alleles (0.0011%); highest among the groups gnomAD compares: Non-Finnish European, 0.0014%; no homozygotes.

Submissions (2):

Ambry Genetics
Classification: Uncertain significance for Inborn genetic diseases. Last evaluated: 2025-09-04. Review status: criteria provided, single submitter. Criteria: Ambry Variant Classification Scheme 2023. Collection method: clinical testing. Allele origin: germline.

Labcorp Genetics (formerly Invitae), Labcorp
Classification: Uncertain significance for COG1 congenital disorder of glycosylation. Last evaluated: 2022-08-10. Review status: criteria provided, single submitter. Criteria: Invitae Variant Classification Sherloc (09022015). Collection method: clinical testing. Allele origin: germline.
Comment: This variant is present in population databases (rs778591192, gnomAD 0.003%). This sequence change replaces valine, which is neutral and non-polar, with isoleucine, which is neutral and non-polar, at codon 329 of the COG1 protein (p.Val329Ile). This variant has not been reported in the literature in individuals affected with COG1-related conditions. ClinVar contains an entry for this variant (Variation ID: 1013801). Algorithms developed to predict the effect of missense changes on protein structure and function output the following: SIFT: "Tolerated"; PolyPhen-2: "Benign"; Align-GVGD: "Class C0". The isoleucine amino acid residue is found in multiple mammalian species, which suggests that this missense change does not adversely affect protein function. In summary, the available evidence is currently insufficient to determine the role of this variant in disease. Therefore, it has been classified as a Variant of Uncertain Significance.

NM_018714.3(COG1):c.985G>A (p.Val329Ile)

Genes: COG1 (component of oligomeric golgi complex 1; plus strand), LOC126862634 (CDK7 strongly-dependent group 2 enhancer GRCh37_chr17:71195948-71197147; plus strand). Cytogenetic location: 17q25.1.
Variant type: single nucleotide variant.
Coding change: c.985G>A on transcript NM_018714.3 (MANE Select); coding-DNA position 985, G replaced by A.
Protein change: p.Val329Ile; replaces valine 329 with isoleucine.
Molecular consequence: missense variant.
Genome position (GRCh38, 1-based): chr17:73,199,936, G>A. VCF-style: chr17-73199936-G-A. GRCh37 (hg19) VCF-style: chr17-71196075-G-A.
Other names: c.985G>A (NM_018714.2); short protein forms V329I.
Identifiers: ClinVar variation 1013801 (VCV001013801.10), dbSNP rs778591192, ClinGen allele CA8740116.